The following is an entry in ClinVar:

NM_000215.4(JAK3):c.1991C>T (p.Pro664Leu)

Gene: JAK3 (Janus kinase 3; minus strand). Cytogenetic location: 19p13.11.
Variant type: single nucleotide variant.
Coding change: c.1991C>T on transcript NM_000215.4 (MANE Select); coding-DNA position 1991, C replaced by T.
Protein change: p.Pro664Leu; replaces proline 664 with leucine.
Molecular consequence: missense variant.
Genome position (GRCh38, 1-based): chr19:17,835,139, G>A on the plus strand (C>T on the coding strand, the complement: JAK3 is on the minus strand). VCF-style: chr19-17835139-G-A. GRCh37 (hg19) VCF-style: chr19-17945948-G-A.
Other names: short protein forms P664L.
Identifiers: ClinVar variation 655724 (VCV000655724.4), dbSNP rs373027121, ClinGen allele CA9301708.

ClinVar aggregate classification (germline): Uncertain significance (1 of 4 stars; one submission).

Conditions:
T-B+ severe combined immunodeficiency due to JAK3 deficiency. Also called: SCID, autosomal recessive, T-negative/B-positive type; SCID, T CELL-NEGATIVE, B CELL-POSITIVE, NK CELL-NEGATIVE. Identifiers: Orphanet 35078, MedGen C1833275, MONDO:0010938, OMIM 600802.

Allele frequency attached by ClinVar (database versions not stated): ExAC 0.00001; gnomAD exomes 0.00001; TOPMed 0.00001; ESP Exome Variant Server 0.00015.
gnomAD v4.1: 15 of 1,614,160 alleles (0.00093%); highest among the groups gnomAD compares: East Asian, 0.0022%; no homozygotes.

Submission:

Labcorp Genetics (formerly Invitae), Labcorp
Classification: Uncertain significance for T-B+ severe combined immunodeficiency due to JAK3 deficiency. Last evaluated: 2021-12-15. Review status: criteria provided, single submitter. Criteria: Invitae Variant Classification Sherloc (09022015). Collection method: clinical testing. Allele origin: germline.
Comment: This sequence change replaces proline, which is neutral and non-polar, with leucine, which is neutral and non-polar, at codon 664 of the JAK3 protein (p.Pro664Leu). This variant is present in population databases (rs373027121, gnomAD 0.007%). This variant has not been reported in the literature in individuals affected with JAK3-related conditions. ClinVar contains an entry for this variant (Variation ID: 655724). Advanced modeling of protein sequence and biophysical properties (such as structural, functional, and spatial information, amino acid conservation, physicochemical variation, residue mobility, and thermodynamic stability) performed at Invitae indicates that this missense variant is not expected to disrupt JAK3 protein function. In summary, the available evidence is currently insufficient to determine the role of this variant in disease. Therefore, it has been classified as a Variant of Uncertain Significance.